The following is an entry in ClinVar:

NM_001387690.1(KATNAL2):c.385C>T (p.Arg129Trp)

Gene: KATNAL2 (katanin catalytic subunit A1 like 2; plus strand). Cytogenetic location: 18q21.1.
Variant type: single nucleotide variant.
Coding change: c.385C>T on transcript NM_001387690.1 (MANE Select); coding-DNA position 385, C replaced by T.
Protein change: p.Arg129Trp; replaces arginine 129 with tryptophan.
Molecular consequence: missense variant. On other transcripts: non-coding transcript variant (1).
Genome position (GRCh38, 1-based): chr18:47,058,287, C>T. VCF-style: chr18-47058287-C-T. GRCh37 (hg19) VCF-style: chr18-44584658-C-T.
Other names: c.463C>T, p.Arg155Trp (NM_001353899.1, NM_001353902.1); c.460C>T, p.Arg154Trp (NM_001353900.1); c.385C>T, p.Arg129Trp (NM_001353901.1, NM_001367621.1); c.52C>T, p.Arg18Trp (NM_001353903.1, NM_001353904.1, NM_001353905.1 and 4 more transcripts); c.169C>T, p.Arg57Trp (NM_031303.3); short protein forms R57W, R129W, R155W, R154W, R18W.
Identifiers: ClinVar variation 589106 (VCV000589106.7), dbSNP rs148791504, ClinGen allele CA8954928.

ClinVar aggregate classification (germline): Uncertain significance. Review status: criteria provided, single submitter (1 of 4 stars). 2 submissions from 2 submitters: Uncertain significance (1). 1 of the submissions does not count toward it. Last evaluated 2019-06-29.

Conditions:
KATNAL2-related disorder. Also called: KATNAL2-related condition.

Allele frequency attached by ClinVar (database versions not stated): ESP Exome Variant Server 0.00046; gnomAD 0.00062 and 0.00069; TOPMed 0.00094; 1000 Genomes Project 30x 0.00125; 1000 Genomes Project 0.00160.
gnomAD v4.1: 748 of 1,613,976 alleles (0.046%); highest among the groups gnomAD compares: East Asian, 0.4%; 1 homozygote.

Submissions (2):

Ambry Genetics
Classification: Uncertain significance. Last evaluated: 2019-06-29. Review status: criteria provided, single submitter. Criteria: Ambry Variant Classification Scheme 2023. Collection method: clinical testing. Allele origin: germline.
Comment: The p.R57W variant (also known as c.169C>T), located in coding exon 3 of the KATNAL2 gene, results from a C to T substitution at nucleotide position 169. The arginine at codon 57 is replaced by tryptophan, an amino acid with dissimilar properties. This amino acid position is not well conserved in available vertebrate species, and tryptophan is the reference amino acid in other vertebrate species. In addition, the in silico prediction for this alteration is inconclusive. Since supporting evidence is limited at this time, the clinical significance of this alteration remains unclear.

PreventionGenetics, part of Exact Sciences
Classification: Likely benign for KATNAL2-related condition. Last evaluated: 2023-12-27. Review status: no assertion criteria provided. Collection method: clinical testing. Allele origin: germline. Not counted in ClinVar's aggregate classification.
Comment: This variant is classified as likely benign based on ACMG/AMP sequence variant interpretation guidelines (Richards et al. 2015 PMID: 25741868, with internal and published modifications).